The following is an entry in ClinVar:

ClinVar aggregate classification (germline): Uncertain significance (1 of 4 stars; one submission).

gnomAD v4.1: 71 of 1,613,950 alleles (0.0044%); highest among the groups gnomAD compares: South Asian, 0.076%; 1 homozygote.

Submission:

Labcorp Genetics (formerly Invitae), Labcorp
Classification: Uncertain significance. Last evaluated: 2025-11-22. Review status: criteria provided, single submitter. Criteria: Invitae Variant Classification Sherloc (09022015). Collection method: clinical testing. Allele origin: germline.
Comment: This sequence change replaces histidine, which is basic and polar, with aspartic acid, which is acidic and polar, at codon 1016 of the NPAT protein (p.His1016Asp). This variant is present in population databases (rs569919259, gnomAD 0.06%), and has an allele count higher than expected for a pathogenic variant. This variant has not been reported in the literature in individuals affected with NPAT-related conditions. An algorithm developed to predict the effect of missense changes on protein structure and function (PolyPhen-2) suggests that this variant is likely to be tolerated. In summary, the available evidence is currently insufficient to determine the role of this variant in disease. Therefore, it has been classified as a Variant of Uncertain Significance.

NM_002519.3(NPAT):c.3046C>G (p.His1016Asp)

Gene: NPAT (nuclear protein, coactivator of histone transcription; minus strand). Cytogenetic location: 11q22.3.
Variant type: single nucleotide variant.
Coding change: c.3046C>G on transcript NM_002519.3 (MANE Select); coding-DNA position 3046, C replaced by G.
Protein change: p.His1016Asp; replaces histidine 1016 with aspartic acid.
Molecular consequence: missense variant.
Genome position (GRCh38, 1-based): chr11:108,162,145, G>C on the plus strand (C>G on the coding strand, the complement: NPAT is on the minus strand). VCF-style: chr11-108162145-G-C. GRCh37 (hg19) VCF-style: chr11-108032872-G-C.
Other names: c.3046C>G, p.His1016Asp (NM_001321307.1); short protein forms H1016D.
Identifiers: ClinVar variation 4748568 (VCV004748568.1).